The following is an entry in ClinVar:

ClinVar aggregate classification (germline): Uncertain significance (1 of 4 stars; one submission).

gnomAD v4.1: 1 of 1,614,084 alleles (0.000062%); highest among the groups gnomAD compares: Non-Finnish European, 0.000085%; no homozygotes.

Submission:

Mayo Clinic Laboratories, Mayo Clinic
Classification: Uncertain significance. Last evaluated: 2024-09-17. Review status: criteria provided, single submitter. Criteria: ACMG Guidelines, 2015. Collection method: clinical testing. Allele origin: germline. Observed: 1 variant allele.
Comment: PP3, PM2

NM_001130823.3(DNMT1):c.2330A>G (p.Asp777Gly)

Gene: DNMT1 (DNA methyltransferase 1; minus strand). Cytogenetic location: 19p13.2.
Variant type: single nucleotide variant.
Coding change: c.2330A>G on transcript NM_001130823.3 (MANE Select); coding-DNA position 2330, A replaced by G.
Protein change: p.Asp777Gly; replaces aspartic acid 777 with glycine.
Molecular consequence: missense variant.
Genome position (GRCh38, 1-based): chr19:10,149,904, T>C on the plus strand (A>G on the coding strand, the complement: DNMT1 is on the minus strand). VCF-style: chr19-10149904-T-C. GRCh37 (hg19) VCF-style: chr19-10260580-T-C.
Other names: p.Asp777Gly; c.2282A>G, p.Asp761Gly (NM_001318730.2, NM_001379.4); c.1967A>G, p.Asp656Gly (NM_001318731.2); short protein forms D656G, D761G, D777G.
Identifiers: ClinVar variation 3380574 (VCV003380574.1).